The following is an entry in ClinVar:

NM_006231.4(POLE):c.811G>A (p.Val271Ile)

Gene: POLE (DNA polymerase epsilon, catalytic subunit; minus strand). Cytogenetic location: 12q24.33.
Variant type: single nucleotide variant.
Coding change: c.811G>A on transcript NM_006231.4 (MANE Select); coding-DNA position 811, G replaced by A.
Protein change: p.Val271Ile; replaces valine 271 with isoleucine.
Molecular consequence: missense variant.
Genome position (GRCh38, 1-based): chr12:132,676,644, C>T on the plus strand (G>A on the coding strand, the complement: POLE is on the minus strand). VCF-style: chr12-132676644-C-T. GRCh37 (hg19) VCF-style: chr12-133253230-C-T.
Other names: short protein forms V271I.
Identifiers: ClinVar variation 1001669 (VCV001001669.10), dbSNP rs2043060448, ClinGen allele CA387364369.
Genomic context (GRCh38, chr12:132,676,644, plus strand): 5'-CTGTCTCAGCATCAGGAAACTTGAGGGGCAGTTTGGTCGTCTCAATGTCAAATGCCAAAA[C>T]CACAGGGTCCTGTGGGGACAAAATAAGCATAAAGCCAAGCTCTAAACTCCCCATTAGGCC-3'
Protein context (NP_006222.2, residues 261-281): DDLVERPDPV[Val271Ile]LAFDIETTKL

ClinVar aggregate classification (germline): Uncertain significance. Review status: criteria provided, multiple submitters, no conflicts (2 of 4 stars). 3 submissions from 3 submitters: Uncertain significance (3). Last evaluated 2026-01-31.

Conditions:
Hereditary cancer-predisposing syndrome. Also called: Neoplastic Syndromes, Hereditary; Tumor predisposition; Hereditary Cancer Syndrome; Hereditary neoplastic syndrome. Identifiers: Orphanet 140162, MedGen C0027672, MeSH D009386, MONDO:0015356.
Colorectal cancer, susceptibility to, 12 (CRCS12). Also called: COLORECTAL CANCER, SUSCEPTIBILITY TO, ON CHROMOSOME 12q24. Identifiers: Orphanet 220460, MedGen C3554460, MONDO:0014038, OMIM 615083.

Allele frequency attached by ClinVar (database versions not stated): gnomAD 0.00001; TOPMed 0.00001.
gnomAD v4.1: 3 of 1,611,086 alleles (0.00019%); highest among the groups gnomAD compares: African/African-American, 0.0027%; no homozygotes.

Submissions (3):

Labcorp Genetics (formerly Invitae), Labcorp
Classification: Uncertain significance. Last evaluated: 2026-01-31. Review status: criteria provided, single submitter. Criteria: Invitae Variant Classification Sherloc (09022015). Collection method: clinical testing. Allele origin: germline.
Comment: This sequence change replaces valine, which is neutral and non-polar, with isoleucine, which is neutral and non-polar, at codon 271 of the POLE protein (p.Val271Ile). This variant is not present in population databases (gnomAD no frequency). This variant has not been reported in the literature in individuals affected with POLE-related conditions. ClinVar contains an entry for this variant (Variation ID: 1001669). Invitae Evidence Modeling of protein sequence and biophysical properties (such as structural, functional, and spatial information, amino acid conservation, physicochemical variation, residue mobility, and thermodynamic stability) indicates that this missense variant is not expected to disrupt POLE protein function with a negative predictive value of 80%. In summary, the available evidence is currently insufficient to determine the role of this variant in disease. Therefore, it has been classified as a Variant of Uncertain Significance.

Baylor Genetics
Classification: Uncertain significance for Colorectal cancer, susceptibility to, 12. Last evaluated: 2024-03-09. Review status: criteria provided, single submitter. Criteria: ACMG Guidelines, 2015. Collection method: clinical testing. Allele origin: unknown.

Ambry Genetics
Classification: Uncertain significance for Hereditary cancer-predisposing syndrome. Last evaluated: 2024-03-01. Review status: criteria provided, single submitter. Criteria: Ambry Variant Classification Scheme 2023. Collection method: clinical testing. Allele origin: germline.
Comment: The p.V271I variant (also known as c.811G>A), located in coding exon 9 of the POLE gene, results from a G to A substitution at nucleotide position 811. The valine at codon 271 is replaced by isoleucine, an amino acid with highly similar properties. This amino acid position is highly conserved in available vertebrate species. In addition, this alteration is predicted to be tolerated by in silico analysis. Since supporting evidence is limited at this time, the clinical significance of this alteration remains unclear.